The following is an entry in ClinVar:

ClinVar aggregate classification (germline): Pathogenic (1 of 4 stars; one submission).

Conditions:
Familial adenomatous polyposis 1 (FAP1). Also called: POLYPOSIS, ADENOMATOUS INTESTINAL; FAMILIAL ADENOMATOUS POLYPOSIS 1, ATTENUATED. Identifiers: MedGen C2713442, MONDO:0021056, OMIM 175100. Disease mechanism: loss of function.

Submission:

Labcorp Genetics (formerly Invitae), Labcorp
Classification: Pathogenic for Familial adenomatous polyposis 1. Last evaluated: 2022-06-16. Review status: criteria provided, single submitter. Criteria: Invitae Variant Classification Sherloc (09022015). Collection method: clinical testing. Allele origin: germline.
Comment: For these reasons, this variant has been classified as Pathogenic. A different truncation (p.Tyr2645Lysfs*14) that lies downstream of this variant has been determined to be pathogenic (PMID: 9824584, 1316610, 27081525, 8381579, 22135120, Invitae). This suggests that deletion of this region of the APC protein is causative of disease. This variant is expected to disrupt the EB1 and HDLG binding sites, which mediate interactions with the cytoskeleton (PMID: 15311282, 17293347). While functional studies have not been performed to directly test the effect on APC protein function, this suggests that disruption of the C-terminal portion of the protein is functionally important. This variant has not been reported in the literature in individuals affected with APC-related conditions. This variant is not present in population databases (gnomAD no frequency). This sequence change creates a premature translational stop signal (p.Lys738Glyfs*17) in the APC gene. While this is not anticipated to result in nonsense mediated decay, it is expected to disrupt the last 2106 amino acid(s) of the APC protein.

Literature cited by the submitters: PubMed 9824584; PubMed 1316610; PubMed 27081525; PubMed 8381579; PubMed 22135120; PubMed 15311282; PubMed 17293347.

NM_000038.6(APC):c.2212_2213del (p.Lys738fs)

Gene: APC (APC regulator of Wnt signaling pathway; plus strand). Cytogenetic location: 5q22.2.
Variant type: Deletion.
Coding change: c.2212_2213del on transcript NM_000038.6 (MANE Select); coding-DNA positions 2212 to 2213, 2 bases deleted (AA; older notation c.2212_2213delAA).
Protein change: p.Lys738fs; shifts the reading frame from lysine 738.
Molecular consequence: frameshift variant.
Genome position (GRCh38, 1-based): chr5:112,837,806-112,837,807, AA deleted. VCF-style (leftmost placement, unchanged base first): chr5-112837805-CAA-C. GRCh37 (hg19) VCF-style: chr5-112173502-CAA-C.
Other names: c.2212_2213del, p.Lys738fs (NM_001127510.3, NM_001354895.2); c.2158_2159del, p.Lys720fs (NM_001127511.3); c.2266_2267del, p.Lys756fs (NM_001354896.2); c.2242_2243del, p.Lys748fs (NM_001354897.2); c.2137_2138del, p.Lys713fs (NM_001354898.2); c.2128_2129del, p.Lys710fs (NM_001354899.2); c.2089_2090del, p.Lys697fs (NM_001354900.2); c.2035_2036del, p.Lys679fs (NM_001354901.2); and 16 more; short protein forms K455fs, K612fs, K697fs, K710fs, K578fs, K647fs, K679fs, K713fs.
Identifiers: ClinVar variation 2006372 (VCV002006372.4), dbSNP rs2533404826, ClinGen allele CA2580072448.